The following is an entry in ClinVar:

NM_003919.3(SGCE):c.663-4_666del

Genes: CASD1 (CAS1 domain sialic acid O acetyltransferase 1; plus strand), SGCE (sarcoglycan epsilon; minus strand). Cytogenetic location: 7q21.3.
Variant type: Deletion.
Coding change: c.663-4_666del on transcript NM_003919.3 (MANE Select); 4 bases into the intron before coding-DNA position 663 through coding-DNA position 666, 8 bases deleted (ACAGCGTT; older notation c.663-4_666delACAGCGTT).
Molecular consequence: splice acceptor variant.
Genome position (GRCh38, 1-based): chr7:94,603,449-94,603,456, AACGCTGT deleted on the plus strand (ACAGCGTT on the coding strand, the reverse complement: SGCE is on the minus strand); deleting any 8 consecutive bases within chr7:94,603,449-94,603,458 gives the same sequence; the c. name uses the placement nearest the transcript's 3' end. VCF-style (leftmost placement, unchanged base first): chr7-94603448-AAACGCTGT-A. GRCh37 (hg19) VCF-style: chr7-94232760-AAACGCTGT-A.
Other names: c.540-4_543del (NM_001362809.2, NM_001301139.2); c.663-4_666del (NM_001346717.2, NM_001099400.2, NM_001099401.2); c.771-4_774del (NM_001346715.2, NM_001346713.2); c.576-4_579del (NM_001362807.2, NM_001346719.2); c.390-4_393del (NM_001362808.2, NM_001346720.2).
Identifiers: ClinVar variation 1502751 (VCV001502751.6), dbSNP rs2116724823, ClinGen allele CA2573142511.

ClinVar aggregate classification (germline): Likely pathogenic (1 of 4 stars; one submission).

Conditions:
Myoclonic dystonia 11 (DYT11). Also called: DYT-SGCE; Myoclonic dystonia; Dystonia 11; Dystonia, alcohol responsive; Hereditary essential myoclonus; SGCE Myoclonus-Dystonia. Identifiers: Orphanet 36899, MedGen C1834570, MONDO:0008044, OMIM 159900.

Submission:

Labcorp Genetics (formerly Invitae), Labcorp
Classification: Likely pathogenic for Myoclonic dystonia 11. Last evaluated: 2021-03-11. Review status: criteria provided, single submitter. Criteria: Invitae Variant Classification Sherloc (09022015). Collection method: clinical testing. Allele origin: germline.
Comment: In summary, the currently available evidence indicates that the variant is pathogenic, but additional data are needed to prove that conclusively. Therefore, this variant has been classified as Likely Pathogenic. Algorithms developed to predict the effect of sequence changes on RNA splicing suggest that this variant may disrupt the consensus splice site, but this prediction has not been confirmed by published transcriptional studies. This variant has been observed in individual(s) with clinical features of dystonia (Invitae). This variant is not present in population databases (ExAC no frequency). This variant results in the deletion of part of exon 6 (c.663-4_666del) of the SGCE gene. It is expected to disrupt RNA splicing. Variants that disrupt the donor or acceptor splice site typically lead to a loss of protein function (PMID: 16199547), and loss-of-function variants in SGCE are known to be pathogenic (PMID: 12821748, 15389977, 17853490, 24297365).

Literature cited by the submitters: PubMed 16199547; PubMed 12821748; PubMed 15389977; PubMed 17853490; PubMed 24297365.